The following is an entry in ClinVar:

ClinVar aggregate classification (germline): Likely pathogenic (1 of 4 stars; one submission).

Conditions:
Retinitis pigmentosa (RP). Identifiers: Orphanet 791, MedGen C0035334, MeSH D012174, MONDO:0019200, OMIM 268000. Inheritance: Autosomal dominant, autosomal recessive and X linked inheritance.

Submission:

Lab De Baere, Eye and Developmental Genetics Lab, Ghent University
Classification: Likely pathogenic for Retinitis pigmentosa. Last evaluated: 2024-10-01. Review status: criteria provided, single submitter. Criteria: ACMG Guidelines, 2015. Collection method: research. Allele origin: inherited. Affected: yes. Observed: 1 variant allele.
Comment: ACMG/AMP guidelines: PM2, PP3, PP1_PM, PM3_2

NM_201548.5(CERKL):c.878delinsATGTGATA (p.Thr293fs)

Gene: CERKL (CERK like autophagy regulator; minus strand). Cytogenetic location: 2q31.3.
Variant type: Indel.
Coding change: c.878delinsATGTGATA on transcript NM_201548.5 (MANE Select); coding-DNA position 878, C replaced by ATGTGATA.
Protein change: p.Thr293fs; shifts the reading frame from threonine 293.
Molecular consequence: frameshift variant. On other transcripts: non-coding transcript variant (2).
Genome position (GRCh38, 1-based): chr2:181,549,651, G replaced by TATCACAT on the plus strand (C replaced by ATGTGATA on the coding strand, the reverse complement: CERKL is on the minus strand). VCF-style: chr2-181549651-G-TATCACAT. GRCh37 (hg19) VCF-style: chr2-182414378-G-TATCACAT.
Other names: c.956delinsATGTGATA, p.Thr319fs (NM_001030311.3); c.539delinsATGTGATA, p.Thr180fs (NM_001030312.3); c.671delinsATGTGATA, p.Thr224fs (NM_001030313.3); c.824delinsATGTGATA, p.Thr275fs (NM_001160277.2); short protein forms T180fs, T293fs, T319fs, T275fs, T224fs.
Identifiers: ClinVar variation 3544474 (VCV003544474.1).